The following is an entry in ClinVar:

ClinVar aggregate classification (germline): Uncertain significance (1 of 4 stars; one submission).

Conditions:
Focal segmental glomerulosclerosis 5 (FSGS5). Identifiers: Orphanet 656, MedGen C2750475, MONDO:0013191, OMIM 613237.
Charcot-Marie-Tooth disease dominant intermediate E. Also called: CHARCOT-MARIE-TOOTH NEUROPATHY WITH FOCAL SEGMENTAL GLOMERULONEPHRITIS. Identifiers: Orphanet 93114, MedGen C4302667, MONDO:0013758, OMIM 614455.

Submission:

Labcorp Genetics (formerly Invitae), Labcorp
Classification: Uncertain significance for Charcot-Marie-Tooth disease dominant intermediate E; Focal segmental glomerulosclerosis 5. Last evaluated: 2025-03-18. Review status: criteria provided, single submitter. Criteria: Invitae Variant Classification Sherloc (09022015). Collection method: clinical testing. Allele origin: germline.
Comment: This sequence change replaces arginine, which is basic and polar, with proline, which is neutral and non-polar, at codon 347 of the INF2 protein (p.Arg347Pro). This variant is not present in population databases (gnomAD no frequency). This variant has not been reported in the literature in individuals affected with INF2-related conditions. Invitae Evidence Modeling of protein sequence and biophysical properties (such as structural, functional, and spatial information, amino acid conservation, physicochemical variation, residue mobility, and thermodynamic stability) indicates that this missense variant is not expected to disrupt INF2 protein function with a negative predictive value of 95%. In summary, the available evidence is currently insufficient to determine the role of this variant in disease. Therefore, it has been classified as a Variant of Uncertain Significance.

NM_022489.4(INF2):c.1040G>C (p.Arg347Pro)

Gene: INF2 (inverted formin 2; plus strand). Cytogenetic location: 14q32.33.
Variant type: single nucleotide variant.
Coding change: c.1040G>C on transcript NM_022489.4 (MANE Select); coding-DNA position 1040, G replaced by C.
Protein change: p.Arg347Pro; replaces arginine 347 with proline.
Molecular consequence: missense variant. On other transcripts: non-coding transcript variant (1).
Genome position (GRCh38, 1-based): chr14:104,707,307, G>C. VCF-style: chr14-104707307-G-C. GRCh37 (hg19) VCF-style: chr14-105173644-G-C.
Other names: c.1040G>C, p.Arg347Pro (NM_001031714.4, NM_001426862.1, NM_001426863.1 and 2 more transcripts); short protein forms R347P.
Identifiers: ClinVar variation 4791982 (VCV004791982.1).